The following is an entry in ClinVar:

NM_153717.3(EVC):c.2895-16_2895-13del

Gene: EVC (EvC ciliary complex subunit 1; plus strand). Cytogenetic location: 4p16.2.
Variant type: Deletion.
Coding change: c.2895-16_2895-13del on transcript NM_153717.3 (MANE Select); 16 bases into the intron before coding-DNA position 2895 through 13 bases into the intron before coding-DNA position 2895, 4 bases deleted (TCTT; older notation c.2895-16_2895-13delTCTT).
Molecular consequence: intron variant.
Genome position (GRCh38, 1-based): chr4:5,810,937-5,810,940, TCTT deleted; deleting any 4 consecutive bases within chr4:5,810,934-5,810,940 gives the same sequence; the c. name uses the placement nearest the transcript's 3' end. VCF-style (leftmost placement, unchanged base first): chr4-5810933-CCTTT-C. GRCh37 (hg19) VCF-style: chr4-5812660-CCTTT-C.
Other names: c.2895-19_2895-16del (NM_001306090.2); c.2895-16_2895-13delTCTT (NM_153717.2).
Identifiers: ClinVar variation 422046 (VCV000422046.11), dbSNP rs773917688, ClinGen allele CA2836753.

ClinVar aggregate classification (germline): Conflicting classifications of pathogenicity. Review status: criteria provided, conflicting classifications (1 of 4 stars). 2 submissions from 2 submitters: Uncertain significance (1); Benign (1). Last evaluated 2025-11-29.

Conditions:
Curry-Hall syndrome (WAD). Also called: WEYERS ACRODENTAL DYSOSTOSIS. Identifiers: Orphanet 952, MedGen C0457013, MONDO:0008673, OMIM 193530.
Ellis-van Creveld syndrome (EVC). Also called: Chondroectodermal dysplasia; MESOECTODERMAL DYSPLASIA; EVC-Related Ellis-van Creveld Syndrome; EVC2-Related Ellis-van Creveld Syndrome. Identifiers: Orphanet 289, MedGen C0013903, MONDO:0009162, OMIM 225500.

Submissions (2):

Labcorp Genetics (formerly Invitae), Labcorp
Classification: Benign for Curry-Hall syndrome; Ellis-van Creveld syndrome. Last evaluated: 2025-11-29. Review status: criteria provided, single submitter. Criteria: Invitae Variant Classification Sherloc (09022015). Collection method: clinical testing. Allele origin: germline.

GeneDx
Classification: Uncertain significance. Last evaluated: 2025-06-13. Review status: criteria provided, single submitter. Criteria: GeneDx Variant Classification Process June 2021. Collection method: clinical testing. Allele origin: germline. Affected: yes.
Comment: In silico analysis supports a deleterious effect on splicing; Has not been previously published as pathogenic or benign to our knowledge